The following is an entry in ClinVar:

ClinVar aggregate classification (germline): Uncertain significance (1 of 4 stars; one submission).

Conditions:
Saldino-Mainzer syndrome (SRTD9). Also called: CONORENAL SYNDROME; Renal dysplasia, retinal pigmentary dystrophy, cerebellar ataxia and skeletal dysplasia; SHORT-RIB THORACIC DYSPLASIA 9 WITHOUT POLYDACTYLY; short-rib thoracic dysplasia 9 with or without polydactyly. Identifiers: Orphanet 140969, MedGen C1849437, MONDO:0009964, OMIM 266920.

Allele frequency attached by ClinVar (database versions not stated): TOPMed 0.00002.

Submission:

Labcorp Genetics (formerly Invitae), Labcorp
Classification: Uncertain significance for Saldino-Mainzer syndrome. Last evaluated: 2023-08-04. Review status: criteria provided, single submitter. Criteria: Invitae Variant Classification Sherloc (09022015). Collection method: clinical testing. Allele origin: germline.
Comment: This sequence change replaces methionine, which is neutral and non-polar, with leucine, which is neutral and non-polar, at codon 1411 of the IFT140 protein (p.Met1411Leu). This variant is present in population databases (no rsID available, gnomAD 0.007%). This variant has not been reported in the literature in individuals affected with IFT140-related conditions. ClinVar contains an entry for this variant (Variation ID: 2081690). Advanced modeling of protein sequence and biophysical properties (such as structural, functional, and spatial information, amino acid conservation, physicochemical variation, residue mobility, and thermodynamic stability) performed at Invitae indicates that this missense variant is not expected to disrupt IFT140 protein function. In summary, the available evidence is currently insufficient to determine the role of this variant in disease. Therefore, it has been classified as a Variant of Uncertain Significance.

NM_014714.4(IFT140):c.4231A>C (p.Met1411Leu)

Gene: IFT140 (intraflagellar transport 140; minus strand). Cytogenetic location: 16p13.3.
Variant type: single nucleotide variant.
Coding change: c.4231A>C on transcript NM_014714.4 (MANE Select); coding-DNA position 4231, A replaced by C.
Protein change: p.Met1411Leu; replaces methionine 1411 with leucine.
Molecular consequence: missense variant.
Genome position (GRCh38, 1-based): chr16:1,511,102, T>G on the plus strand (A>C on the coding strand, the complement: IFT140 is on the minus strand). VCF-style: chr16-1511102-T-G. GRCh37 (hg19) VCF-style: chr16-1561103-T-G.
Other names: short protein forms M1411L.
Identifiers: ClinVar variation 2081690 (VCV002081690.4), dbSNP rs1482708228, ClinGen allele CA394222495.